The following is an entry in ClinVar:

NM_015506.3(MMACHC):c.145dup (p.Ala49fs)

Gene: MMACHC (metabolism of cobalamin associated C; plus strand). Cytogenetic location: 1p34.1.
Variant type: Duplication.
Coding change: c.145dup on transcript NM_015506.3 (MANE Select); coding-DNA position 145, one base duplicated (G; older notation c.145dupG).
Protein change: p.Ala49fs; shifts the reading frame from alanine 49.
Molecular consequence: frameshift variant. On other transcripts: 5 prime UTR variant (1).
Genome position (GRCh38, 1-based): chr1:45,507,419, G duplicated; the last of 2 consecutive G bases (chr1:45,507,418-45,507,419); duplicating either gives the same sequence. VCF-style (leftmost placement, unchanged base first): chr1-45507417-T-TG. GRCh37 (hg19) VCF-style: chr1-45973089-T-TG.
Other names: c.-27dup (NM_001330540.2); short protein forms A49fs.
Identifiers: ClinVar variation 5012249 (VCV005012249.1).

ClinVar aggregate classification (germline): Pathogenic (1 of 4 stars; one submission).

Conditions:
Cobalamin C disease. Also called: Cobalamin-C methylmalonic acidemia and homocystinuria; Methylmalonic acidemia and homocystinuria cblC type; Methylmalonic aciduria and homocystinuria, Vitamin B12-responsive; Vitamin B12 metabolic defect with combined deficiency of methylmalonyl-CoA mutase and homocysteine:methyltetrahydrofolate methyltransferase; methylmalonic aciduria and homocystinuria type cblC; Methylmalonic aciduria with homocystinuria cblC type. Identifiers: Orphanet 26, Orphanet 79282, MedGen C1848561, MONDO:0010184, OMIM 277400.

Submission:

Myriad Genetics, Inc.
Classification: Pathogenic for Cobalamin C disease. Last evaluated: 2023-09-27. Review status: criteria provided, single submitter. Criteria: Myriad Autosomal Dominant, Autosomal Recessive and X-Linked Classification Criteria (2023). Collection method: clinical testing. Allele origin: unknown.
Comment: NM_015506.2(MMACHC):c.145dupG(A49Gfs*12) is expected to be pathogenic in the context of methylmalonic aciduria and homocystinuria, cblC type. This variant is predicted to lead to an abnormal or absent protein product due to the creation of a premature termination codon in MMACHC, a gene where loss-of-function variants are known to be pathogenic. Please note: this variant was assessed in the context of healthy population screening.